The following is an entry in ClinVar:

NM_001267550.2(TTN):c.26548_26552del (p.Glu8850fs)

Gene: TTN (titin; minus strand). Cytogenetic location: 2q31.2.
Variant type: Deletion.
Coding change: c.26548_26552del on transcript NM_001267550.2 (MANE Select); coding-DNA positions 26548 to 26552, 5 bases deleted (GAGTG; older notation c.26548_26552delGAGTG).
Protein change: p.Glu8850fs; shifts the reading frame from glutamic acid 8850.
Molecular consequence: frameshift variant. On other transcripts: intron variant (3).
Genome position (GRCh38, 1-based): chr2:178,714,106-178,714,110, CACTC deleted on the plus strand (GAGTG on the coding strand, the reverse complement: TTN is on the minus strand); deleting any 5 consecutive bases within chr2:178,714,106-178,714,112 gives the same sequence; the c. name uses the placement nearest the transcript's 3' end. VCF-style (leftmost placement, unchanged base first): chr2-178714105-ACACTC-A. GRCh37 (hg19) VCF-style: chr2-179578832-ACACTC-A.
Other names: c.25597_25601del, p.Glu8533fs (NM_001256850.1); c.22816_22820del, p.Glu7606fs (NM_133378.4); c.13282+23972_13282+23976del (NM_003319.4); c.13858+23972_13858+23976del (NM_133437.4); c.13657+23972_13657+23976del (NM_133432.3); short protein forms E7606fs, E8850fs, E8533fs.
Identifiers: ClinVar variation 4785683 (VCV004785683.1).

ClinVar aggregate classification (germline): Likely pathogenic (1 of 4 stars; one submission).

Conditions:
Autosomal recessive limb-girdle muscular dystrophy type 2J (LGMDR10). Also called: Limb-girdle muscular dystrophy, type 2J; MUSCULAR DYSTROPHY, LIMB-GIRDLE, AUTOSOMAL RECESSIVE 10. Identifiers: Orphanet 140922, MedGen C1837342, MONDO:0012127, OMIM 608807.
Dilated cardiomyopathy 1G (CMD1G). Identifiers: Orphanet 154, MedGen C1858763, MONDO:0011400, OMIM 604145.

Submission:

Labcorp Genetics (formerly Invitae), Labcorp
Classification: Likely pathogenic for Dilated cardiomyopathy 1G; Autosomal recessive limb-girdle muscular dystrophy type 2J. Last evaluated: 2025-07-27. Review status: criteria provided, single submitter. Criteria: Invitae Variant Classification Sherloc (09022015). Collection method: clinical testing. Allele origin: germline.
Comment: This sequence change creates a premature translational stop signal (p.Glu8850Tyrfs*7) in the TTN gene. While this is not anticipated to result in nonsense mediated decay, it is expected to create a truncated TTN protein. This variant is not present in population databases (gnomAD no frequency). This variant has not been reported in the literature in individuals affected with TTN-related conditions. This variant is located in the I band of TTN (PMID: 25589632). Truncating variants in this region have been reported in individuals affected with autosomal recessive centronuclear myopathy (PMID: 23975875, internal data). Truncating variants in this region have also been identified in individuals affected with autosomal dominant dilated cardiomyopathy and/or cardio-related conditions (PMID: 27869827, 32964742, internal data). In summary, the currently available evidence indicates that the variant is pathogenic, but additional data are needed to prove that conclusively. Therefore, this variant has been classified as Likely Pathogenic.

Literature cited by the submitters: PubMed 25589632; PubMed 23975875; PubMed 27869827; PubMed 32964742.